The following is an entry in ClinVar:

ClinVar aggregate classification (germline): Likely benign. Review status: criteria provided, multiple submitters, no conflicts (2 of 4 stars). 2 submissions from 2 submitters: Likely benign (2). Last evaluated 2025-07-31.

Conditions:
TMEM67-related disorder. Also called: TMEM67-related disorders; TMEM67-related condition. Identifiers: MedGen CN239423.
Joubert syndrome. Also called: JOUBERT-BOLTSHAUSER SYNDROME; Familial aplasia of the vermis. Identifiers: Orphanet 475, MedGen C5979921, MONDO:0018772.
Meckel-Gruber syndrome. Also called: GRUBER SYNDROME; DYSENCEPHALIA SPLANCHNOCYSTICA; Dysencephalia splachnocystica. Identifiers: Orphanet 564, MedGen C0265215, MONDO:0018921.

gnomAD v4.1: 2 of 1,517,472 alleles (0.00013%); highest among the groups gnomAD compares: Non-Finnish European, 0.00018%; no homozygotes.

Submissions (2):

PreventionGenetics, part of Exact Sciences
Classification: Likely benign for TMEM67-related condition. Last evaluated: 2025-07-31. Review status: criteria provided, single submitter. Criteria: ACMG Guidelines, 2015. Collection method: clinical testing. Allele origin: germline.
Comment: This variant is classified as likely benign based on ACMG/AMP sequence variant interpretation guidelines (Richards et al. 2015 PMID: 25741868, with internal and published modifications).

Labcorp Genetics (formerly Invitae), Labcorp
Classification: Likely benign for Joubert syndrome; Meckel-Gruber syndrome. Last evaluated: 2023-06-09. Review status: criteria provided, single submitter. Criteria: Invitae Variant Classification Sherloc (09022015). Collection method: clinical testing. Allele origin: germline.

NM_153704.6(TMEM67):c.2765-5A>G

Gene: TMEM67 (transmembrane protein 67; plus strand). Cytogenetic location: 8q22.1.
Variant type: single nucleotide variant.
Coding change: c.2765-5A>G on transcript NM_153704.6 (MANE Select); 5 bases into the intron before coding-DNA position 2765, A replaced by G.
Molecular consequence: intron variant.
Genome position (GRCh38, 1-based): chr8:93,815,300, A>G. VCF-style: chr8-93815300-A-G. GRCh37 (hg19) VCF-style: chr8-94827528-A-G.
Other names: c.2522-5A>G (NM_001142301.1); c.2765-5A>G (NM_153704.5).
Identifiers: ClinVar variation 1632715 (VCV001632715.9), dbSNP rs1808862357, ClinGen allele CA1803247078.
Genomic context (GRCh38, chr8:93,815,300, plus strand): 5'-AAGTTTATCACAGACTTGTTCCTTTTTTAAATTTCTAATTTATATTTTCTAAATTTTTTT[A>G]ATAGATGAAGGTTATTCTTTCAGCAGTGTCCTGTATTATGGAAATGAAGCTACTCTTCTT-3'